The following is an entry in ClinVar:

ClinVar aggregate classification (germline): Uncertain significance (1 of 4 stars; one submission).

Submission:

Labcorp Genetics (formerly Invitae), Labcorp
Classification: Uncertain significance. Last evaluated: 2022-09-01. Review status: criteria provided, single submitter. Criteria: Invitae Variant Classification Sherloc (09022015). Collection method: clinical testing. Allele origin: germline.
Comment: This variant, c.1302_1304del, results in the deletion of 1 amino acid(s) of the PEPD protein (p.Leu435del), but otherwise preserves the integrity of the reading frame. This variant is present in population databases (rs758031251, gnomAD 0.002%). This variant has not been reported in the literature in individuals affected with PEPD-related conditions. ClinVar contains an entry for this variant (Variation ID: 1419285). Experimental studies and prediction algorithms are not available or were not evaluated, and the functional significance of this variant is currently unknown. In summary, the available evidence is currently insufficient to determine the role of this variant in disease. Therefore, it has been classified as a Variant of Uncertain Significance.

NM_000285.4(PEPD):c.1302_1304del (p.Leu435del)

Gene: PEPD (peptidase D; minus strand). Cytogenetic location: 19q13.11.
Variant type: Deletion.
Coding change: c.1302_1304del on transcript NM_000285.4 (MANE Select); coding-DNA positions 1302 to 1304, 3 bases deleted (CCT; older notation c.1302_1304delCCT).
Protein change: p.Leu435del; deletes leucine 435.
Molecular consequence: inframe deletion.
Genome position (GRCh38, 1-based): chr19:33,387,930-33,387,932, AGG deleted on the plus strand (CCT on the coding strand, the reverse complement: PEPD is on the minus strand); deleting any 3 consecutive bases within chr19:33,387,930-33,387,933 gives the same sequence; the c. name uses the placement nearest the transcript's 3' end. VCF-style (leftmost placement, unchanged base first): chr19-33387929-AAGG-A. GRCh37 (hg19) VCF-style: chr19-33878835-AAGG-A.
Other names: c.1179_1181del, p.Leu394del (NM_001166056.2); c.1110_1112del, p.Leu371del (NM_001166057.2); short protein forms L371del, L394del, L435del.
Identifiers: ClinVar variation 1419285 (VCV001419285.5), dbSNP rs758031251, ClinGen allele CA9363933.